The following is an entry in ClinVar:

ClinVar aggregate classification (germline): Benign. Review status: reviewed by expert panel (3 of 4 stars). 25 submissions from 25 submitters: Benign (1). 24 of the submissions do not count toward it. Last evaluated 2023-08-08.

Conditions:
CDH1-related diffuse gastric and lobular breast cancer syndrome. Also called: CDH1-related diffuse gastric and lobular breast cancer. Identifiers: MedGen CN311521, MONDO:0100488.
CDH1-related disorder. Also called: CDH1-related condition.
Breast and/or ovarian cancer. Identifiers: MedGen CN221562.
Hereditary diffuse gastric adenocarcinoma (HDGC). Also called: DIFFUSE GASTRIC AND LOBULAR BREAST CANCER SYNDROME. Identifiers: Orphanet 26106, MedGen C1708349, MONDO:0007648, OMIM 137215.
Familial cancer of breast. Also called: Hereditary breast cancer; hereditary breast carcinoma; BREAST CANCER, FAMILIAL. Identifiers: Orphanet 227535, MedGen C0346153, MONDO:0016419, OMIM 114480. Disease mechanism: loss of function.
Hereditary cancer-predisposing syndrome. Also called: Tumor predisposition; Hereditary neoplastic syndrome; Neoplastic Syndromes, Hereditary; Hereditary Cancer Syndrome. Identifiers: Orphanet 140162, MedGen C0027672, MeSH D009386, MONDO:0015356.
Malignant tumor of breast. Also called: Malignant breast neoplasm; Cancer breast. Identifiers: MedGen C0006142, MONDO:0007254. Disease mechanism: loss of function.

Allele frequency attached by ClinVar (database versions not stated): ExAC 0.00022; gnomAD exomes 0.00024; gnomAD 0.00026; ESP Exome Variant Server 0.00031; TOPMed 0.00032.
gnomAD v4.1: 394 of 1,613,730 alleles (0.024%); highest among the groups gnomAD compares: Middle Eastern, 0.049%; no homozygotes.

Submissions 1 to 16 of 25:

Clingen Gastric Cancer Variant Curation Expert Panel
Classification: Benign for CDH1-related diffuse gastric and lobular breast cancer syndrome. Last evaluated: 2023-08-08. Review status: reviewed by expert panel. Criteria: ClinGen CDH1 ACMG Specifications V3.1. Collection method: curation. Allele origin: germline. Inheritance: Autosomal dominant inheritance.
Comment: The c.2413G>A (p.Asp805Asn) variant has an allele frequency of 0.00207 (0.21%, 21/10,148 alleles) in the Ashkenazi Jewish subpopulation of the gnomAD cohort (BA1). In summary, this variant meets criteria to be classified as benign. ACMG/AMP criteria applied, as specified by the CDH1 Variant Curation Expert Panel (Variant Interpretation Guidelines Version 3.1): BA1.

Myriad Genetics, Inc.
Classification: Likely benign for Hereditary diffuse gastric adenocarcinoma. Last evaluated: 2026-06-18. Review status: criteria provided, single submitter. Criteria: Myriad Autosomal Dominant, Autosomal Recessive and X-Linked Classification Criteria (2023). Collection method: clinical testing. Allele origin: unknown. Not counted in ClinVar's aggregate classification.
Comment: This variant is considered likely benign. This variant been observed in trans with a known pathogenic variant in one or more individuals. Compound heterozygosity for pathogenic variants in this gene is generally assumed to result in embryonic lethality.

Labcorp Genetics (formerly Invitae), Labcorp
Classification: Benign for Hereditary diffuse gastric adenocarcinoma. Last evaluated: 2026-01-28. Review status: criteria provided, single submitter. Criteria: Invitae Variant Classification Sherloc (09022015). Collection method: clinical testing. Allele origin: germline. Not counted in ClinVar's aggregate classification.

Quest Diagnostics Nichols Institute San Juan Capistrano
Classification: Benign. Last evaluated: 2025-10-03. Review status: criteria provided, single submitter. Criteria: Quest Diagnostics criteria. Collection method: clinical testing. Allele origin: unknown. Not counted in ClinVar's aggregate classification.

Center for Genomic Medicine, Rigshospitalet, Copenhagen University Hospital
Classification: Benign. Last evaluated: 2025-03-04. Review status: criteria provided, single submitter. Criteria: ACMG Guidelines, 2015. Collection method: clinical testing. Allele origin: germline. Not counted in ClinVar's aggregate classification.

Blueprint Genetics
Classification: Likely benign. Last evaluated: 2024-09-09. Review status: criteria provided, single submitter. Criteria: ACMG Guidelines, 2015. Collection method: clinical testing. Allele origin: germline. Not counted in ClinVar's aggregate classification.

Mendelics
Classification: Benign for Hereditary diffuse gastric adenocarcinoma. Last evaluated: 2023-08-22. Review status: criteria provided, single submitter. Criteria: Mendelics Assertion Criteria 2019. Collection method: clinical testing. Allele origin: germline. Not counted in ClinVar's aggregate classification.

CHEO Genetics Diagnostic Laboratory, Children's Hospital of Eastern Ontario
Classification: Likely benign for Breast and/or ovarian cancer. Last evaluated: 2023-06-05. Review status: criteria provided, single submitter. Criteria: ACMG Guidelines, 2015. Collection method: clinical testing. Allele origin: germline. Not counted in ClinVar's aggregate classification.

Institute for Biomarker Research, Medical Diagnostic Laboratories, L.L.C.
Classification: Likely benign for Hereditary cancer-predisposing syndrome. Last evaluated: 2023-05-03. Review status: criteria provided, single submitter. Criteria: ACMG Guidelines, 2015. Collection method: clinical testing. Allele origin: germline. Not counted in ClinVar's aggregate classification.

CeGaT Center for Human Genetics Tuebingen
Classification: Benign. Last evaluated: 2022-08-01. Review status: criteria provided, single submitter. Criteria: CeGaT Center For Human Genetics Tuebingen Variant Classification Criteria Version 2. Collection method: clinical testing. Allele origin: germline. Affected: yes. Observed: 1 variant allele. Not counted in ClinVar's aggregate classification.
Comment: CDH1: BP1, BS1, BS2

European Reference Network on Genetic Tumour Risk Syndromes (ERN-GENTURIS), i3s - Instituto de Investigação e Inovação em Saúde, University of Porto
Classification: Benign for Hereditary diffuse gastric adenocarcinoma. Last evaluated: 2022-08-01. Review status: criteria provided, single submitter. Criteria: Lee et al. (Hum Mutat. 2018). Collection method: clinical testing. Allele origin: germline. Inheritance: Autosomal dominant inheritance. Affected: no. Study: ERN GENTURIS. Not counted in ClinVar's aggregate classification.
Comment: BA1; BS2_Suportive (PMID: 30311375)

Women's Health and Genetics/Laboratory Corporation of America, LabCorp
Classification: Benign. Last evaluated: 2021-11-08. Review status: criteria provided, single submitter. Criteria: LabCorp Variant Classification Summary - May 2015. Collection method: clinical testing. Allele origin: germline. Not counted in ClinVar's aggregate classification.
Comment: Variant summary: CDH1 c.2413G>A (p.Asp805Asn) results in a conservative amino acid change located in the Cadherin, cytoplasmic domain (IPR000233) of the encoded protein sequence. Three of five in-silico tools predict a benign effect of the variant on protein function. The variant allele was found at a frequency of 0.00024 in 251938 control chromosomes. The observed variant frequency is approximately 9 fold of the estimated maximal expected allele frequency for a pathogenic variant in CDH1 causing Hereditary Diffuse Gastric Cancer phenotype (2.8e-05), strongly suggesting that the variant is benign. c.2413G>A has been reported in the literature in a family with gastric and diffuse gastric cancer in an unaffected patient; however the age was not provided (Hansford_2015). An additional CDH1 variant (c.2430delT) was also identified in a proband affected with DGC in this family. This variant was also observed associated with non-syndromic cleft-palate, Lynch Syndrome, pancreatic ductal adenocarcinoma, and NSCLC patients without strong evidence for causality (Vogelaar_2013, Yurgelun_2015, Yurgelun_2017, Rangachari_2015, Shindo_2017, Shirts_2016). These report(s) do not provide unequivocal conclusions about association of the variant with Hereditary Diffuse Gastric Cancer. At-least one co-occurrence with another pathogenic variant has been observed at our laboratory (BRCA2 c.7618-1G>A), providing supporting evidence for a benign role. At least one publication reports experimental evidence evaluating an impact on protein function (Vogelaar_2013). The most pronounced variant effect results in slightly impaired cell invasion suppression, displaying smaller cellular aggregates than the WT and to result in reduced membranous E-cadherin expression while not affecting the expression level of CDH1. However, the clinical relevance of these functional impacts is uncertain. Multiple clinical diagnostic laboratories have submitted clinical-significance assessments for this variant to ClinVar after 2014 without evidence for independent evaluation. Multiple laboratories reported the variant with conflicting assessments with a majority consensus leaning towards benign/likely benign (n=8). Based on the evidence outlined above, the variant was classified as benign.

GeneDx
Classification: Likely benign. Last evaluated: 2021-03-03. Review status: criteria provided, single submitter. Criteria: GeneDx Variant Classification Process June 2021. Collection method: clinical testing. Allele origin: germline. Affected: yes. Not counted in ClinVar's aggregate classification.
Comment: This variant is associated with the following publications: (PMID: 29348693, 25980754, 25862857, 24728327, 25637381, 26601054, 26845104, 26580448, 26182300, 23197654, 28135145, 28873162, 28767289)

Sema4
Classification: Likely benign for Hereditary cancer-predisposing syndrome. Last evaluated: 2020-10-01. Review status: criteria provided, single submitter. Criteria: Sema4 Curation Guidelines. Collection method: curation. Allele origin: germline. Not counted in ClinVar's aggregate classification.

St. Jude Molecular Pathology, St. Jude Children's Research Hospital
Classification: Benign for Hereditary diffuse gastric adenocarcinoma. Last evaluated: 2020-09-09. Review status: criteria provided, single submitter. Criteria: St. Jude Assertion Criteria 2020. Collection method: clinical testing. Allele origin: germline. Not counted in ClinVar's aggregate classification.

Ambry Genetics
Classification: Benign for Hereditary cancer-predisposing syndrome. Last evaluated: 2019-01-17. Review status: criteria provided, single submitter. Criteria: Ambry Variant Classification Scheme 2023. Collection method: clinical testing. Allele origin: germline. Not counted in ClinVar's aggregate classification.

NM_004360.5(CDH1):c.2413G>A (p.Asp805Asn)

Gene: CDH1 (cadherin 1; plus strand). Cytogenetic location: 16q22.1.
Variant type: single nucleotide variant.
Coding change: c.2413G>A on transcript NM_004360.5 (MANE Select); coding-DNA position 2413, G replaced by A.
Protein change: p.Asp805Asn; replaces aspartic acid 805 with asparagine.
Molecular consequence: missense variant.
Genome position (GRCh38, 1-based): chr16:68,829,771, G>A. VCF-style: chr16-68829771-G-A. GRCh37 (hg19) VCF-style: chr16-68863674-G-A.
Other names: p.D805N:GAT>AAT; NM_004360.4(CDH1):c.2413G>A; c.2230G>A, p.Asp744Asn (NM_001317184.2); c.865G>A, p.Asp289Asn (NM_001317185.2); c.448G>A, p.Asp150Asn (NM_001317186.2); c.2413G>A (LRG_301t1); short protein forms D805N, D150N, D289N, D744N.
Identifiers: ClinVar variation 127925 (VCV000127925.86), dbSNP rs200894246, ClinGen allele CA157966.
Genomic context (GRCh38, chr16:68,829,771, plus strand): 5'-AACGACGTTGCACCAACCCTCATGAGTGTCCCCCGGTATCTTCCCCGCCCTGCCAATCCC[G>A]ATGAAATTGGAAATTTTATTGATGAAGTAAGTAATCCACGTGGAAAGCCAAAGCATGGCT-3'
Protein context (NP_004351.1, residues 795-815): PRYLPRPANP[Asp805Asn]EIGNFIDENL